The following is an entry in ClinVar:

ClinVar aggregate classification (germline): Uncertain significance. Review status: criteria provided, multiple submitters, no conflicts (2 of 4 stars). 5 submissions from 5 submitters: Uncertain significance (4). 1 of the submissions does not count toward it. Last evaluated 2024-10-14.

Conditions:
Short-rib thoracic dysplasia 10 with or without polydactyly (SRTD10). Identifiers: Orphanet 474, MedGen C3810175, MONDO:0014284, OMIM 615630.
Bardet-Biedl syndrome 20. Identifiers: MedGen C4310707, MONDO:0023670, OMIM 619471, MONDO:0014926.
Retinitis pigmentosa 71 (RP71). Identifiers: Orphanet 791, MedGen C4225342, MONDO:0014618, OMIM 616394.
IFT172-related disorder. Also called: IFT172-related disorders; IFT172-related condition.
Inborn genetic diseases. Identifiers: MedGen C0950123, MeSH D030342.

Allele frequency attached by ClinVar (database versions not stated): gnomAD 0.00006; ESP Exome Variant Server 0.00008; gnomAD exomes 0.00008 and 0.00009; ExAC 0.00009; TOPMed 0.00009; 1000 Genomes Project 30x 0.00031; 1000 Genomes Project 0.00040.
gnomAD v4.1: 116 of 1,590,222 alleles (0.0073%); highest among the groups gnomAD compares: African/African-American, 0.019%; no homozygotes.

Submissions (5):

Blueprint Genetics
Classification: Uncertain significance. Last evaluated: 2024-10-14. Review status: criteria provided, single submitter. Criteria: ACMG Guidelines, 2015. Collection method: clinical testing. Allele origin: germline.

Fulgent Genetics
Classification: Uncertain significance for Short-rib thoracic dysplasia 10 with or without polydactyly; Retinitis pigmentosa 71; Bardet-Biedl syndrome 20. Last evaluated: 2024-05-28. Review status: criteria provided, single submitter. Criteria: ACMG Guidelines, 2015. Collection method: clinical testing. Allele origin: germline.

Labcorp Genetics (formerly Invitae), Labcorp
Classification: Uncertain significance for Retinitis pigmentosa 71; Short-rib thoracic dysplasia 10 with or without polydactyly. Last evaluated: 2024-01-24. Review status: criteria provided, single submitter. Criteria: Invitae Variant Classification Sherloc (09022015). Collection method: clinical testing. Allele origin: germline.
Comment: This sequence change replaces glycine, which is neutral and non-polar, with arginine, which is basic and polar, at codon 1470 of the IFT172 protein (p.Gly1470Arg). This variant is present in population databases (rs146047876, gnomAD 0.04%). This variant has not been reported in the literature in individuals affected with IFT172-related conditions. ClinVar contains an entry for this variant (Variation ID: 944063). Advanced modeling of protein sequence and biophysical properties (such as structural, functional, and spatial information, amino acid conservation, physicochemical variation, residue mobility, and thermodynamic stability) performed at Invitae indicates that this missense variant is expected to disrupt IFT172 protein function with a positive predictive value of 80%. In summary, the available evidence is currently insufficient to determine the role of this variant in disease. Therefore, it has been classified as a Variant of Uncertain Significance.

Ambry Genetics
Classification: Uncertain significance for Inborn genetic diseases. Last evaluated: 2021-08-13. Review status: criteria provided, single submitter. Criteria: Ambry Variant Classification Scheme 2023. Collection method: clinical testing. Allele origin: germline.

PreventionGenetics, part of Exact Sciences
Classification: Uncertain significance for IFT172-related condition. Last evaluated: 2024-03-13. Review status: no assertion criteria provided. Collection method: clinical testing. Allele origin: germline. Not counted in ClinVar's aggregate classification.
Comment: The IFT172 c.4408G>A variant is predicted to result in the amino acid substitution p.Gly1470Arg. To our knowledge, this variant has not been reported in the literature. This variant is reported in 0.035% of alleles in individuals of East Asian descent in gnomAD. At this time, the clinical significance of this variant is uncertain due to the absence of conclusive functional and genetic evidence.

NM_015662.3(IFT172):c.4408G>A (p.Gly1470Arg)

Gene: IFT172 (intraflagellar transport 172; minus strand). Cytogenetic location: 2p23.3.
Variant type: single nucleotide variant.
Coding change: c.4408G>A on transcript NM_015662.3 (MANE Select); coding-DNA position 4408, G replaced by A.
Protein change: p.Gly1470Arg; replaces glycine 1470 with arginine.
Molecular consequence: missense variant.
Genome position (GRCh38, 1-based): chr2:27,448,935, C>T on the plus strand (G>A on the coding strand, the complement: IFT172 is on the minus strand). VCF-style: chr2-27448935-C-T. GRCh37 (hg19) VCF-style: chr2-27671802-C-T.
Other names: c.4408G>A (NM_015662.1); short protein forms G1470R.
Identifiers: ClinVar variation 944063 (VCV000944063.11), dbSNP rs146047876, ClinGen allele CA1579622.